The following is an entry in ClinVar:

NM_017757.3(ZNF407):c.5427T>A (p.Ala1809=)

Gene: ZNF407 (zinc finger protein 407; plus strand). Cytogenetic location: 18q22.3.
Variant type: single nucleotide variant.
Coding change: c.5427T>A on transcript NM_017757.3 (MANE Select); coding-DNA position 5427, T replaced by A.
Protein change: p.Ala1809=; no amino-acid change (alanine 1809 retained).
Molecular consequence: synonymous variant.
Genome position (GRCh38, 1-based): chr18:74,920,691, T>A. VCF-style: chr18-74920691-T-A. GRCh37 (hg19) VCF-style: chr18-72632647-T-A.
Other names: c.5427T>A, p.Ala1809= (NM_001146189.1, NM_001384475.1).
Identifiers: ClinVar variation 4873011 (VCV004873011.2).

ClinVar aggregate classification (germline): Likely benign (1 of 4 stars; one submission).

Submission:

CeGaT Center for Human Genetics Tuebingen
Classification: Likely benign. Last evaluated: 2026-04-01. Review status: criteria provided, single submitter. Criteria: CeGaT Center For Human Genetics Tuebingen Variant Classification Criteria Version 2. Collection method: clinical testing. Allele origin: germline. Affected: yes. Observed: 1 variant allele.
Comment: ZNF407: PM2:Supporting, BP4, BP7